The following is an entry in ClinVar:

NM_006502.3(POLH):c.738C>T (p.Leu246=)

Gene: POLH (DNA polymerase eta; plus strand). Cytogenetic location: 6p21.1.
Variant type: single nucleotide variant.
Coding change: c.738C>T on transcript NM_006502.3 (MANE Select); coding-DNA position 738, C replaced by T.
Protein change: p.Leu246=; no amino-acid change (leucine 246 retained).
Molecular consequence: synonymous variant.
Genome position (GRCh38, 1-based): chr6:43,601,065, C>T. VCF-style: chr6-43601065-C-T. GRCh37 (hg19) VCF-style: chr6-43568802-C-T.
Other names: c.366C>T, p.Leu122= (NM_001291969.2); c.738C>T, p.Leu246= (NM_001291970.2).
Identifiers: ClinVar variation 356902 (VCV000356902.13), dbSNP rs145530456, ClinGen allele CA3827066.
Genomic context (GRCh38, chr6:43,601,065, plus strand): 5'-CTGTGGACTAAACAAGCCCAACCGCCAAACCCTGGTTTCACATGGGTCAGTCCCACAGCT[C>T]TTCAGCCAAATGCCCATTCGCAAAATGTAAGTATTCAGGCAGCATGTTAAATTTCACTTC-3'
Protein context (NP_006493.1, residues 236-256): TLVSHGSVPQ[Leu246=]FSQMPIRKIR

ClinVar aggregate classification (germline): Conflicting classifications of pathogenicity. Review status: criteria provided, conflicting classifications (1 of 4 stars). 4 submissions from 4 submitters: Uncertain significance (2); Benign (1); Likely benign (1). Last evaluated 2025-12-08.

Conditions:
Xeroderma pigmentosum variant type. Also called: PHOTOSENSITIVITY WITH DEFECTIVE DNA SYNTHESIS; XERODERMA PIGMENTOSUM WITH NORMAL DNA REPAIR RATES; POLH-Related Xeroderma Pigmentosum. Identifiers: Orphanet 90342, MedGen C1848410, MONDO:0010214, OMIM 278750.
Xeroderma pigmentosum (XP). Identifiers: Orphanet 910, MedGen C0043346, MONDO:0019600.

Allele frequency attached by ClinVar (database versions not stated): 1000 Genomes Project 30x 0.00016; 1000 Genomes Project 0.00020; TOPMed 0.00027; ESP Exome Variant Server 0.00038; gnomAD 0.00049; gnomAD exomes 0.00061 and 0.00062; ExAC 0.00070.
gnomAD v4.1: 980 of 1,613,830 alleles (0.061%); highest among the groups gnomAD compares: Non-Finnish European, 0.067%; no homozygotes.

Submissions (4):

Labcorp Genetics (formerly Invitae), Labcorp
Classification: Benign. Last evaluated: 2025-12-08. Review status: criteria provided, single submitter. Criteria: Invitae Variant Classification Sherloc (09022015). Collection method: clinical testing. Allele origin: germline.

Blueprint Genetics
Classification: Likely benign. Last evaluated: 2024-11-07. Review status: criteria provided, single submitter. Criteria: ACMG Guidelines, 2015. Collection method: clinical testing. Allele origin: germline.

Sema4
Classification: Uncertain significance for Xeroderma pigmentosum. Last evaluated: 2022-01-25. Review status: criteria provided, single submitter. Criteria: Sema4 Curation Guidelines. Collection method: curation. Allele origin: germline.
Comment: The POLH c.738C>T (p.L246=) variant has not been reported in the literature to our knowledge. It was observed in 61/25120 chromosomes of the Finnish subpopulation in the large and broad cohorts of the Genome Aggregation Database (PMID: 32461654). The variant has been reported in ClinVar (Variation ID: 356902). The nucleotide is moderately conserved and in silico tools predict the variant not to have an impact on splicing, though these predictions have not been confirmed by functional studies. The evidence is insufficient to meet ACMG/AMP criteria for classifying the variant as benign or pathogenic. Thus, the clinical significance of this variant is currently uncertain.

Illumina Laboratory Services, Illumina
Classification: Uncertain significance for Xeroderma pigmentosum variant type. Last evaluated: 2018-01-13. Review status: criteria provided, single submitter. Criteria: ICSL Variant Classification Criteria 13 December 2019. Collection method: clinical testing. Allele origin: germline.